The following is an entry in ClinVar:

ClinVar aggregate classification (germline): Uncertain significance (1 of 4 stars; one submission).

Conditions:
ALMS1-related disorder. Also called: ALMS1-related condition.

gnomAD v4.1: 2 of 1,614,144 alleles (0.00012%); highest among the groups gnomAD compares: Non-Finnish European, 0.00017%; no homozygotes.

Submission:

PreventionGenetics, part of Exact Sciences
Classification: Uncertain significance for ALMS1-related condition. Last evaluated: 2025-09-03. Review status: criteria provided, single submitter. Criteria: ACMG Guidelines, 2015. Collection method: clinical testing. Allele origin: germline.
Comment: The ALMS1 c.8971G>T variant is predicted to result in the amino acid substitution p.Asp2991Tyr. To our knowledge, this variant has not been reported in the literature or in a large population database (gnomAD), indicating this variant is rare. At this time, the clinical significance of this variant is uncertain due to the absence of conclusive functional and genetic evidence.

NM_001378454.1(ALMS1):c.8968G>T (p.Gly2990Cys)

Gene: ALMS1 (ALMS1 centrosome and basal body associated protein; plus strand). Cytogenetic location: 2p13.1.
Variant type: single nucleotide variant.
Coding change: c.8968G>T on transcript NM_001378454.1 (MANE Select); coding-DNA position 8968, G replaced by T.
Protein change: p.Gly2990Cys; replaces glycine 2990 with cysteine.
Molecular consequence: missense variant.
Genome position (GRCh38, 1-based): chr2:73,490,927, G>T. VCF-style: chr2-73490927-G-T. GRCh37 (hg19) VCF-style: chr2-73718054-G-T.
Other names: c.8971G>T, p.Gly2991Cys (NM_015120.4); short protein forms G2991C, G2990C.
Identifiers: ClinVar variation 4985983 (VCV004985983.1).